The following is an entry in ClinVar:

ClinVar aggregate classification (germline): Likely pathogenic. Review status: criteria provided, multiple submitters, no conflicts (2 of 4 stars). 5 submissions from 5 submitters: Likely pathogenic (4). 1 of the submissions does not count toward it. Last evaluated 2025-08-30.

Conditions:
Hereditary cancer-predisposing syndrome. Also called: Neoplastic Syndromes, Hereditary; Hereditary neoplastic syndrome; Tumor predisposition; Hereditary Cancer Syndrome. Identifiers: Orphanet 140162, MedGen C0027672, MeSH D009386, MONDO:0015356.
Gastric adenocarcinoma and proximal polyposis of the stomach (GAPPS). Also called: Polyposis, gastric, Dos Santos and de Magalhaes 1980; Gastric Adenocarcinoma and Proximal Polyposis of the Stomach (GAPPS); POLYPOSIS, GASTRIC. Identifiers: Orphanet 314022, MedGen C4749917, MONDO:0017790, OMIM 619182.
Classic or attenuated familial adenomatous polyposis. Identifiers: MedGen CN372698, MONDO:0021057.
Familial adenomatous polyposis 1 (FAP1). Also called: FAMILIAL ADENOMATOUS POLYPOSIS 1, ATTENUATED; POLYPOSIS, ADENOMATOUS INTESTINAL. Identifiers: MedGen C2713442, MONDO:0021056, OMIM 175100. Disease mechanism: loss of function.

Allele frequency attached by ClinVar (database versions not stated): gnomAD 0.00001.
gnomAD v4.1: 2 of 479,376 alleles (0.00042%); highest among the groups gnomAD compares: Non-Finnish European, 0.00038%; no homozygotes.

Submissions (5):

Labcorp Genetics (formerly Invitae), Labcorp
Classification: Likely pathogenic for Familial adenomatous polyposis 1. Last evaluated: 2025-08-30. Review status: criteria provided, single submitter. Criteria: Invitae Variant Classification Sherloc (09022015). Collection method: clinical testing. Allele origin: germline.
Comment: This variant occurs in a non-coding region of the APC gene. It does not change the encoded amino acid sequence of the APC protein. This variant is present in population databases (no rsID available, gnomAD 0.007%). This variant has been observed in individuals with clinical features of gastric adenocarcinoma and proximal polyposis of the stomach (GAPPS) (PMID: 27087319; internal data). This variant is also known as c.-192A>G. ClinVar contains an entry for this variant (Variation ID: 243006). Algorithms developed to predict the effect of variants on gene product structure and function are not available or were not evaluated for this variant. Experimental studies have shown that this variant affects APC function (PMID: 27087319). In summary, the currently available evidence indicates that the variant is pathogenic, but additional data are needed to prove that conclusively. Therefore, this variant has been classified as Likely Pathogenic.

Ambry Genetics
Classification: Likely pathogenic for Hereditary cancer-predisposing syndrome. Last evaluated: 2023-08-29. Review status: criteria provided, single submitter. Criteria: Ambry Variant Classification Scheme 2023. Collection method: clinical testing. Allele origin: germline.
Comment: The c.-192A>G variant is located in the 5' untranslated region (5&rsquo; UTR) of the APC gene. This variant results from an A to G substitution 192 bases upstream from the first translated codon. In one study, this variant was identified in 2 siblings affected with fundic gland polyposis (Li J et al. Am. J. Hum. Genet. 2016 May;98:830-42). The alteration impacts a highly-conserved nucleotide within the YY1 binding motif of APC promoter 1B, and authors demonstrated disrupted protein binding associated with c.-192A>G. Furthermore, luciferase assay results showed significantly reduced promoter activity for this variant compared to wild type. Based on the majority of available evidence to date, this variant is likely to be pathogenic.

GeneDx
Classification: Likely pathogenic. Last evaluated: 2021-01-25. Review status: criteria provided, single submitter. Criteria: GeneDx Variant Classification Process June 2021. Collection method: clinical testing. Allele origin: germline. Affected: yes.
Comment: Describes a nucleotide substitution 192 base pairs upstream of the ATG translational start site of the APC promoter 1B region; Published functional studies demonstrate a damaging effect: disrupted binding to the YY1 transcription factor and impaired activity of the APC promoter 1B in gastric and colorectal cancer cell lines, allelic imbalance in patient cells suggesting decreased allele-specific expression in vivo (Li 2016); Identified in two siblings with fundic gland polyposis, one of whom also had gastric cancer (Li 2016); Not observed at a significant frequency in large population cohorts (Lek 2016); This variant is associated with the following publications: (PMID: 27087319, 29141268, 21813476, 30584346, 31409086)

Department of Pathology and Laboratory Medicine, Sinai Health System
Classification: Likely pathogenic for classic or attenuated familial adenomatous polyposis. Review status: criteria provided, single submitter. Criteria: ACMG Guidelines, 2015. Collection method: clinical testing. Allele origin: germline.

OMIM
Classification: Pathogenic for GASTRIC ADENOCARCINOMA AND PROXIMAL POLYPOSIS OF THE STOMACH. Last evaluated: 2025-09-04. Review status: no assertion criteria provided. Collection method: literature only. Allele origin: germline. Not counted in ClinVar's aggregate classification.

Literature cited by the submitters: PubMed 27087319 (cited by 3 submitters); PubMed 21813476 (cited by OMIM).

NM_001127511.3(APC):c.-192A>G

Genes: APC (APC regulator of Wnt signaling pathway; plus strand), LOC129994371 (ATAC-STARR-seq lymphoblastoid active region 22910; plus strand). Cytogenetic location: 5q22.2.
Variant type: single nucleotide variant.
Coding change: c.-192A>G on transcript NM_001127511.3; 192 bases upstream of the start codon, A replaced by G.
Molecular consequence: 5 prime UTR variant. On other transcripts: non-coding transcript variant (2).
Genome position (GRCh38, 1-based): chr5:112,707,526, A>G. VCF-style: chr5-112707526-A-G. GRCh37 (hg19) VCF-style: chr5-112043223-A-G.
Other names: -192A-G; c.-375A>G (NM_001354895.2, NM_001407447.1, NM_001407452.1 and 3 more transcripts); c.-192A>G (NM_001354897.2, NM_001354902.2, NM_001407446.1); c.-142A>G (NM_001407448.1, NM_001407450.1, NM_001407457.1 and 1 more transcripts); c.-166A>G (NM_001407453.1); c.-1410A>G (NM_001407470.1, NM_001407472.1).
Identifiers: ClinVar variation 243006 (VCV000243006.21), dbSNP rs879253784, ClinGen allele CA10584053.
Genomic context (GRCh38, chr5:112,707,526, plus strand): 5'-TGTGGGAAGCCAGCAACACCTCTCACGCATGCGCATTGTAGTCTTCCCACCTCCCACAAG[A>G]TGGCGGAGGGCAAGTAGCAAGGGGGCGGGGTGTGGCCGCCGGAAGCCTAGCCGCTGCTCG-3'